The following is an entry in ClinVar:

ClinVar aggregate classification (germline): Benign/Likely benign. Review status: criteria provided, multiple submitters, no conflicts (2 of 4 stars). 16 submissions from 13 submitters: Benign (12); Likely benign (1). 3 of the submissions do not count toward it. Last evaluated 2026-06-02.

Conditions:
Corticosterone methyl oxidase type II deficiency.
Corticosterone methyloxidase type 2 deficiency. Also called: 18-OXIDASE DEFICIENCY; ALDOSTERONE DEFICIENCY DUE TO DEFICIENCY OF STEROID 18-OXIDASE; ALDOSTERONE DEFICIENCY II; CMO II DEFICIENCY; STEROID 18-OXIDASE DEFICIENCY. Identifiers: Orphanet 427, MedGen C3463917, MONDO:0012524, OMIM 610600. Disease mechanism: loss of function.
Corticosterone 18-monooxygenase deficiency. Also called: ALDOSTERONE DEFICIENCY DUE TO DEFECT IN STEROID 18-HYDROXYLASE; ALDOSTERONE DEFICIENCY I; CMO I DEFICIENCY; STEROID 18-HYDROXYLASE DEFICIENCY; 18 Hydroxylase deficiency; Aldosterone deficiency due to defect in 18 hydroxylase. Identifiers: Orphanet 427, MedGen C0268293, MONDO:0008751, OMIM 203400. Disease mechanism: loss of function.
Glucocorticoid-remediable aldosteronism. Also called: Hyperaldosteronism, familial, type I; ACTH-DEPENDENT HYPERALDOSTERONISM SYNDROME; ALDOSTERONISM, SENSITIVE TO DEXAMETHASONE; FH I; GLUCOCORTICOID-SUPPRESSIBLE HYPERALDOSTERONISM. Identifiers: Orphanet 403, MedGen C3838731, MONDO:0007080, OMIM 103900.

Allele frequency attached by ClinVar (database versions not stated): 1000 Genomes Project 30x 0.34307; 1000 Genomes Project 0.34645; TOPMed 0.37607; ESP Exome Variant Server 0.37660; gnomAD 0.38300 and 0.38478; ExAC 0.41888; gnomAD exomes 0.42399.

Submissions (16):

Women's Health and Genetics/Laboratory Corporation of America, LabCorp
Classification: Likely benign. Last evaluated: 2026-06-02. Review status: criteria provided, single submitter. Criteria: LabCorp Variant Classification Summary - May 2015. Collection method: clinical testing. Allele origin: germline.

Labcorp Genetics (formerly Invitae), Labcorp
Classification: Benign. Last evaluated: 2026-02-04. Review status: criteria provided, single submitter. Criteria: Invitae Variant Classification Sherloc (09022015). Collection method: clinical testing. Allele origin: germline.

Blueprint Genetics
Classification: Benign. Last evaluated: 2024-11-27. Review status: criteria provided, single submitter. Criteria: ACMG Guidelines, 2015. Collection method: clinical testing. Allele origin: germline.

Mayo Clinic Laboratories, Mayo Clinic
Classification: Benign. Last evaluated: 2022-09-23. Review status: criteria provided, single submitter. Criteria: ACMG Guidelines, 2015. Collection method: clinical testing. Allele origin: germline. Observed: 110 variant alleles.
Comment: BA1, BP4

Fulgent Genetics
Classification: Benign for Corticosterone 18-monooxygenase deficiency; Corticosterone methyloxidase type 2 deficiency. Last evaluated: 2021-08-29. Review status: criteria provided, single submitter. Criteria: ACMG Guidelines, 2015. Collection method: clinical testing. Allele origin: unknown.

Genome-Nilou Lab
Classification: Benign for Corticosterone 18-monooxygenase deficiency. Last evaluated: 2021-07-01. Review status: criteria provided, single submitter. Criteria: ACMG Guidelines, 2015. Collection method: clinical testing. Allele origin: germline. Affected: no.

Genome-Nilou Lab
Classification: Benign for Corticosterone methyloxidase type 2 deficiency. Last evaluated: 2021-07-01. Review status: criteria provided, single submitter. Criteria: ACMG Guidelines, 2015. Collection method: clinical testing. Allele origin: germline. Affected: no.

GeneDx
Classification: Benign. Last evaluated: 2018-08-21. Review status: criteria provided, single submitter. Criteria: GeneDx Variant Classification Process June 2021. Collection method: clinical testing. Allele origin: germline. Affected: yes.
Comment: This variant is associated with the following publications: (PMID: 8954040)

Illumina Laboratory Services, Illumina
Classification: Benign for Corticosterone methyloxidase type 2 deficiency. Last evaluated: 2017-04-27. Review status: criteria provided, single submitter. Criteria: ICSL Variant Classification Criteria 13 December 2019. Collection method: clinical testing. Allele origin: germline.
Comment: This variant was observed as part of a predisposition screen in an ostensibly healthy population. A literature search was performed for the gene, cDNA change, and amino acid change (where applicable). No publications were found based on this search. Allele frequency data from public databases was too high to be consistent with this variant causing disease. Therefore, this variant is classified as benign.

Illumina Laboratory Services, Illumina
Classification: Benign for Corticosterone 18-monooxygenase deficiency. Last evaluated: 2017-04-27. Review status: criteria provided, single submitter. Criteria: ICSL Variant Classification Criteria 13 December 2019. Collection method: clinical testing. Allele origin: germline.
Comment: the same text as in the submission from Illumina Laboratory Services, Illumina above.

Illumina Laboratory Services, Illumina
Classification: Benign for Hyperaldosteronism, familial, type I. Last evaluated: 2017-04-27. Review status: criteria provided, single submitter. Criteria: ICSL Variant Classification Criteria 13 December 2019. Collection method: clinical testing. Allele origin: germline.
Comment: This variant was observed as part of a predisposition screen in an ostensibly healthy population. A literature search was performed for the gene, cDNA change, and amino acid change (where applicable). Publications were found based on this search. The evidence from the literature, in combination with allele frequency data from public databases where available, was sufficient to rule this variant out of causing disease. Therefore, this variant is classified as benign.

Laboratory for Molecular Medicine, Mass General Brigham Personalized Medicine
Classification: Benign. Last evaluated: 2016-03-21. Review status: criteria provided, single submitter. Criteria: LMM Criteria. Collection method: clinical testing. Allele origin: germline. Observed: 1 variant allele.
Comment: p.Lys173Arg in exon 3 of CYP11B2: This variant is not expected to have clinical significance because it has been identified in 49.39% (2973/6020) of Finnish chr omosomes by the Exome Aggregation Consortium (ExAC, rg; dbSNP rs4539).

Breakthrough Genomics
Classification: Benign. Review status: criteria provided, single submitter. Criteria: ACMG Guidelines, 2015. Collection method: not provided. Allele origin: germline. Inheritance: Autosomal recessive inheritance. Affected: yes.

Natera, Inc.
Classification: Benign for Corticosterone methyl oxidase type II deficiency. Last evaluated: 2019-08-23. Review status: no assertion criteria provided. Collection method: clinical testing. Allele origin: germline. Not counted in ClinVar's aggregate classification.

Diagnostic Laboratory, Department of Genetics, University Medical Center Groningen
Classification: Benign. Review status: no assertion criteria provided. Collection method: clinical testing. Allele origin: germline. Affected: yes. Study: VKGL Data-share Consensus. Not counted in ClinVar's aggregate classification.

Joint Genome Diagnostic Labs from Nijmegen and Maastricht, Radboudumc and MUMC+
Classification: Benign. Review status: no assertion criteria provided. Collection method: clinical testing. Allele origin: germline. Affected: yes. Study: VKGL Data-share Consensus. Not counted in ClinVar's aggregate classification.

Literature cited by the submitters: PubMed 8954040 (cited by Illumina Laboratory Services, Illumina); PubMed 16118341 (cited by Illumina Laboratory Services, Illumina); PubMed 22931312 (cited by Illumina Laboratory Services, Illumina).

NM_000498.3(CYP11B2):c.518A>G (p.Lys173Arg)

Genes: CYP11B2 (cytochrome P450 family 11 subfamily B member 2; minus strand), LOC106799834 (CYP11B2 recombination region; plus strand). Cytogenetic location: 8q24.3.
Variant type: single nucleotide variant.
Coding change: c.518A>G on transcript NM_000498.3 (MANE Select); coding-DNA position 518, A replaced by G.
Protein change: p.Lys173Arg; replaces lysine 173 with arginine.
Molecular consequence: missense variant.
Genome position (GRCh38, 1-based): chr8:142,915,123, T>C on the plus strand (A>G on the coding strand, the complement: CYP11B2 is on the minus strand). VCF-style: chr8-142915123-T-C. GRCh37 (hg19) VCF-style: chr8-143996539-T-C.
Other names: short protein forms K173R.
Identifiers: ClinVar variation 362220 (VCV000362220.32), dbSNP rs4539, ClinGen allele CA4906184.